The following is an entry in ClinVar:

ClinVar aggregate classification (germline): Likely pathogenic (1 of 4 stars; one submission).

Submission:

CeGaT Center for Human Genetics Tuebingen
Classification: Likely pathogenic. Last evaluated: 2026-09-01. Review status: criteria provided, single submitter. Criteria: CeGaT Center For Human Genetics Tuebingen Variant Classification Criteria Version 2. Collection method: clinical testing. Allele origin: germline. Affected: yes. Observed: 3 variant alleles.
Comment: SMN1: PVS1:Strong, PM2

NM_000344.4(SMN1):c.800G>A (p.Trp267Ter)

Gene: SMN1 (survival of motor neuron 1, telomeric). Cytogenetic location: 5q13.2.
Variant type: single nucleotide variant.
Coding change: c.800G>A on transcript NM_000344.4 (MANE Select); coding-DNA position 800, G replaced by A.
Protein change: p.Trp267Ter; replaces tryptophan 267 with a stop codon.
Molecular consequence: nonsense.
Genome position (GRCh38, 1-based): chr5:70,946,142, G>A. VCF-style: chr5-70946142-G-A. GRCh37 (hg19) VCF-style: chr5-70241969-G-A.
Other names: c.800G>A, p.Trp267Ter (NM_001297715.1); c.704G>A, p.Trp235Ter (NM_022874.2); short protein forms W235*, W267*.
Identifiers: ClinVar variation 5038473 (VCV005038473.1).